The following is an entry in ClinVar:

ClinVar aggregate classification (germline): Uncertain significance (1 of 4 stars; one submission).

Allele frequency attached by ClinVar (database versions not stated): gnomAD exomes 0.00001.
gnomAD v4.1: 8 of 1,536,964 alleles (0.00052%); highest among the groups gnomAD compares: East Asian, 0.0024%; no homozygotes.

Submission:

GeneDx
Classification: Uncertain significance. Last evaluated: 2022-03-02. Review status: criteria provided, single submitter. Criteria: GeneDx Variant Classification Process June 2021. Collection method: clinical testing. Allele origin: germline. Affected: yes.
Comment: Not observed at significant frequency in large population cohorts (gnomAD); In silico analysis supports that this missense variant does not alter protein structure/function; Has not been previously published as pathogenic or benign to our knowledge

NM_001378183.1(PIEZO2):c.6583T>A (p.Ser2195Thr)

Gene: PIEZO2 (piezo type mechanosensitive ion channel component 2; minus strand). Cytogenetic location: 18p11.22.
Variant type: single nucleotide variant.
Coding change: c.6583T>A on transcript NM_001378183.1 (MANE Select); coding-DNA position 6583, T replaced by A.
Protein change: p.Ser2195Thr; replaces serine 2195 with threonine.
Molecular consequence: missense variant.
Genome position (GRCh38, 1-based): chr18:10,699,036, A>T on the plus strand (T>A on the coding strand, the complement: PIEZO2 is on the minus strand). VCF-style: chr18-10699036-A-T. GRCh37 (hg19) VCF-style: chr18-10699034-A-T.
Other names: c.6244T>A, p.Ser2082Thr (NM_022068.4); short protein forms S2082T, S2195T.
Identifiers: ClinVar variation 1703889 (VCV001703889.2), dbSNP rs1302772789, ClinGen allele CA401908854.